The following is an entry in ClinVar:

ClinVar aggregate classification (germline): Uncertain significance. Review status: criteria provided, multiple submitters, no conflicts (2 of 4 stars). 2 submissions from 2 submitters: Uncertain significance (2). Last evaluated 2024-03-19.

Conditions:
Hereditary breast ovarian cancer syndrome. Also called: Breast and ovarian cancer; BRCA1- and BRCA2-Associated Hereditary Breast and Ovarian Cancer; Hereditary breast and ovarian cancer; Hereditary breast and ovarian cancer syndrome (HBOC); Hereditary breast and ovarian cancer syndrome; Hereditary breast and/or ovarian cancer syndrome. Identifiers: Orphanet 145, MedGen C0677776, MeSH D061325, MONDO:0003582. Disease mechanism: loss of function.
Hereditary cancer-predisposing syndrome. Also called: Neoplastic Syndromes, Hereditary; Tumor predisposition; Hereditary Cancer Syndrome; Hereditary neoplastic syndrome. Identifiers: Orphanet 140162, MedGen C0027672, MeSH D009386, MONDO:0015356.

Submissions (2):

Ambry Genetics
Classification: Uncertain significance for Hereditary cancer-predisposing syndrome. Last evaluated: 2024-03-19. Review status: criteria provided, single submitter. Criteria: Ambry Variant Classification Scheme 2023. Collection method: clinical testing. Allele origin: germline.
Comment: The p.G183E variant (also known as c.548G>A) is located in coding exon 7 of the BRCA1 gene. The glycine at codon 183 is replaced by glutamic acid, an amino acid with similar properties. This change occurs in the first base pair of coding exon 7. This amino acid position is well conserved in available vertebrate species. In addition, this alteration is predicted to be deleterious by in silico analysis. Based on the available evidence, the clinical significance of this alteration remains unclear.

Labcorp Genetics (formerly Invitae), Labcorp
Classification: Uncertain significance for Hereditary breast ovarian cancer syndrome. Last evaluated: 2023-12-24. Review status: criteria provided, single submitter. Criteria: Invitae Variant Classification Sherloc (09022015). Collection method: clinical testing. Allele origin: germline.
Comment: This sequence change replaces glycine, which is neutral and non-polar, with glutamic acid, which is acidic and polar, at codon 183 of the BRCA1 protein (p.Gly183Glu). This variant is not present in population databases (gnomAD no frequency). This variant has not been reported in the literature in individuals affected with BRCA1-related conditions. ClinVar contains an entry for this variant (Variation ID: 2024596). Algorithms developed to predict the effect of missense changes on protein structure and function output the following: SIFT: "Not Available"; PolyPhen-2: "Possibly Damaging"; Align-GVGD: "Not Available". The glutamic acid amino acid residue is found in multiple mammalian species, which suggests that this missense change does not adversely affect protein function. Algorithms developed to predict the effect of sequence changes on RNA splicing suggest that this variant may disrupt the consensus splice site. In summary, the available evidence is currently insufficient to determine the role of this variant in disease. Therefore, it has been classified as a Variant of Uncertain Significance.

NM_007294.4(BRCA1):c.548G>A (p.Gly183Glu)

Gene: BRCA1 (BRCA1 DNA repair associated; minus strand). Cytogenetic location: 17q21.31.
Variant type: single nucleotide variant.
Coding change: c.548G>A on transcript NM_007294.4 (MANE Select); coding-DNA position 548, G replaced by A.
Protein change: p.Gly183Glu; replaces glycine 183 with glutamic acid.
Molecular consequence: missense variant. On other transcripts: non-coding transcript variant (1).
Genome position (GRCh38, 1-based): chr17:43,097,289, C>T on the plus strand (G>A on the coding strand, the complement: BRCA1 is on the minus strand). VCF-style: chr17-43097289-C-T. GRCh37 (hg19) VCF-style: chr17-41249306-C-T.
Other names: c.335G>A, p.Gly112Glu (NM_001407571.1, NM_001407853.1, NM_001407894.1 and 12 more transcripts); c.548G>A, p.Gly183Glu (NM_001407581.1, NM_001407582.1, NM_001407583.1 and 59 more transcripts); c.545G>A, p.Gly182Glu (NM_001407587.1, NM_001407590.1, NM_001407591.1 and 41 more transcripts); c.539G>A, p.Gly180Glu (NM_001407646.1, NM_001407647.1, NM_001408408.1); c.470G>A, p.Gly157Glu (NM_001407653.1, NM_001407654.1, NM_001407655.1 and 9 more transcripts); c.467G>A, p.Gly156Glu (NM_001407659.1, NM_001407660.1, NM_001407661.1 and 3 more transcripts); c.407G>A, p.Gly136Glu (NM_001407692.1, NM_001407694.1, NM_001407695.1 and 43 more transcripts); c.404G>A, p.Gly135Glu (NM_001407740.1, NM_001407741.1, NM_001407742.1 and 26 more transcripts); and 4 more; short protein forms G113E, G135E, G157E, G180E, G182E, G138E, G156E, G183E.
Identifiers: ClinVar variation 2024596 (VCV002024596.5), dbSNP rs1555594081, ClinGen allele CA10601030.
Genomic context (GRCh38, chr17:43,097,289, plus strand): 5'-TTCTCTTTGACTCACCTGCAATAAGTTGCCTTATTAACGGTATCTTCAGAAGAATCAGAT[C>T]CTAAAAAATTTCCCCCCAAAAAATAAATCAATAAAAGTTTTCTTAATTAAAAGGGTTAAA-3'
Protein context (NP_009225.1, residues 173-193): PQKTSVYIEL[Gly183Glu]SDSSEDTVNK